The following is an entry in ClinVar:

NM_133497.4(KCNV2):c.1159A>G (p.Ile387Val)

Gene: KCNV2 (potassium voltage-gated channel modifier subfamily V member 2; plus strand). Cytogenetic location: 9p24.2.
Variant type: single nucleotide variant.
Coding change: c.1159A>G on transcript NM_133497.4 (MANE Select); coding-DNA position 1159, A replaced by G.
Protein change: p.Ile387Val; replaces isoleucine 387 with valine.
Molecular consequence: missense variant.
Genome position (GRCh38, 1-based): chr9:2,718,898, A>G. VCF-style: chr9-2718898-A-G. GRCh37 (hg19) VCF-style: chr9-2718898-A-G.
Other names: short protein forms I387V.
Identifiers: ClinVar variation 4041877 (VCV004041877.3).

ClinVar aggregate classification (germline): Uncertain significance. Review status: criteria provided, multiple submitters, no conflicts (2 of 4 stars). 3 submissions from 3 submitters: Uncertain significance (3). Last evaluated 2025-03-26.

Conditions:
KCNV2-related disorder. Also called: KCNV2-related condition.
Inborn genetic diseases. Identifiers: MedGen C0950123, MeSH D030342.

gnomAD v4.1: 5 of 1,609,008 alleles (0.00031%); highest among the groups gnomAD compares: Non-Finnish European, 0.00042%; no homozygotes.

Submissions (3):

Ambry Genetics
Classification: Uncertain significance for Inborn genetic diseases. Last evaluated: 2025-03-26. Review status: criteria provided, single submitter. Criteria: Ambry Variant Classification Scheme 2023. Collection method: clinical testing. Allele origin: germline.

PreventionGenetics, part of Exact Sciences
Classification: Uncertain significance for KCNV2-related condition. Last evaluated: 2025-02-10. Review status: criteria provided, single submitter. Criteria: ACMG Guidelines, 2015. Collection method: clinical testing. Allele origin: germline.
Comment: The KCNV2 c.1159A>G variant is predicted to result in the amino acid substitution p.Ile387Val. To our knowledge, this variant has not been reported in the literature. This variant is present in 0.00088% of alleles in individuals of European (Non-Finnish) descent in gnomAD. At this time, the clinical significance of this variant is uncertain due to the absence of conclusive functional and genetic evidence.

Blueprint Genetics
Classification: Uncertain significance. Last evaluated: 2018-12-28. Review status: criteria provided, single submitter. Criteria: ACMG Guidelines, 2015. Collection method: clinical testing. Allele origin: germline.